The following is an entry in ClinVar:

NM_000098.3(CPT2):c.577C>T (p.Arg193Cys)

Gene: CPT2 (carnitine palmitoyltransferase 2; plus strand). Cytogenetic location: 1p32.3.
Variant type: single nucleotide variant.
Coding change: c.577C>T on transcript NM_000098.3 (MANE Select); coding-DNA position 577, C replaced by T.
Protein change: p.Arg193Cys; replaces arginine 193 with cysteine.
Molecular consequence: missense variant.
Genome position (GRCh38, 1-based): chr1:53,210,251, C>T. VCF-style: chr1-53210251-C-T. GRCh37 (hg19) VCF-style: chr1-53675923-C-T.
Other names: c.577C>T, p.Arg193Cys (NM_001330589.2); short protein forms R193C.
Identifiers: ClinVar variation 287483 (VCV000287483.35), dbSNP rs375968699, ClinGen allele CA859010.

ClinVar aggregate classification (germline): Conflicting classifications of pathogenicity. Review status: criteria provided, conflicting classifications (1 of 4 stars). 12 submissions from 12 submitters: Uncertain significance (3); Likely benign (5). 4 of the submissions do not count toward it. Last evaluated 2026-08-17.

Conditions:
CPT2-related disorder. Also called: CPT2-related condition.
Carnitine palmitoyltransferase II deficiency. Also called: Carnitine Palmitoyltransferase 2 Deficiency. Identifiers: Orphanet 157, MedGen C0342790, MONDO:0015515.

Allele frequency attached by ClinVar (database versions not stated): ESP Exome Variant Server 0.00008; TOPMed 0.00018; ExAC 0.00050; 1000 Genomes Project 30x 0.00172; 1000 Genomes Project 0.00200.

Submissions (12):

PreventionGenetics, part of Exact Sciences
Classification: Uncertain significance for CPT2-related condition. Last evaluated: 2026-08-17. Review status: criteria provided, single submitter. Criteria: ACMG Guidelines, 2015. Collection method: clinical testing. Allele origin: germline.
Comment: The CPT2 c.577C>T variant is predicted to result in the amino acid substitution p.Arg193Cys. This variant has been reported in the homozygous state in a family affected with limb-girdle muscular dystrophy and confirmed CPT2 deficiency upon biochemical testing (Ghaoui et al. 2015. PubMed ID: 26436962). It has also been identified in the homozygous state in one individual from a cohort of patients with neuromuscular diseases (Marchant et al. 2024. PubMed ID: 38544359). However, this variant is reported in 0.20% of alleles in individuals of East Asian descent in gnomAD, including two homozygotes of unknown phenotype. At this time, the clinical significance of this variant is uncertain due to the absence of conclusive functional and genetic evidence.

Labcorp Genetics (formerly Invitae), Labcorp
Classification: Likely benign for Carnitine palmitoyltransferase II deficiency. Last evaluated: 2026-02-04. Review status: criteria provided, single submitter. Criteria: Invitae Variant Classification Sherloc (09022015). Collection method: clinical testing. Allele origin: germline.

CeGaT Center for Human Genetics Tuebingen
Classification: Likely benign. Last evaluated: 2025-11-01. Review status: criteria provided, single submitter. Criteria: CeGaT Center For Human Genetics Tuebingen Variant Classification Criteria Version 2. Collection method: clinical testing. Allele origin: germline. Affected: yes. Observed: 1 variant allele.
Comment: CPT2: BS1

Mayo Clinic Laboratories, Mayo Clinic
Classification: Uncertain significance. Last evaluated: 2025-06-05. Review status: criteria provided, single submitter. Criteria: ACMG Guidelines, 2015. Collection method: clinical testing. Allele origin: germline. Observed: 3 variant alleles.
Comment: PP3

Blueprint Genetics
Classification: Likely benign. Last evaluated: 2024-09-24. Review status: criteria provided, single submitter. Criteria: ACMG Guidelines, 2015. Collection method: clinical testing. Allele origin: germline.

Revvity Omics, Revvity
Classification: Uncertain significance. Last evaluated: 2024-04-12. Review status: criteria provided, single submitter. Criteria: ACMG Guidelines, 2015. Collection method: clinical testing. Allele origin: germline.

Women's Health and Genetics/Laboratory Corporation of America, LabCorp
Classification: Likely benign. Last evaluated: 2022-04-25. Review status: criteria provided, single submitter. Criteria: LabCorp Variant Classification Summary - May 2015. Collection method: clinical testing. Allele origin: germline.
Comment: Variant summary: CPT2 c.577C>T (p.Arg193Cys) results in a non-conservative amino acid change located in the Choline/carnitine acyltransferase domain (IPR039551) of the encoded protein sequence. Five of five in-silico tools predict a damaging effect of the variant on protein function. The variant allele was found at a frequency of 0.00037 in 251426 control chromosomes, predominantly at a frequency of 0.002 within the East Asian subpopulation in the gnomAD database, including 2 homozygotes. The observed variant frequency within East Asian control individuals in the gnomAD database is approximately 1.3 fold of the estimated maximal expected allele frequency for a pathogenic variant in CPT2 causing Carnitine Palmitoyltransferase II Deficiency phenotype (0.0016), strongly suggesting that the variant is a benign polymorphism found primarily in populations of East Asian origin. To our knowledge, no occurrence of c.577C>T in individuals affected with Carnitine Palmitoyltransferase II Deficiency and no experimental evidence demonstrating its impact on protein function have been reported. Four clinical diagnostic laboratories have submitted clinical-significance assessments for this variant to ClinVar after 2014 without evidence for independent evaluation and a predominant consensus as likely benign (n=3) (VUS, n=1). Based on the evidence outlined above, the variant was classified as likely benign.

Eurofins Ntd Llc (ga)
Classification: Likely benign. Last evaluated: 2016-04-11. Review status: criteria provided, single submitter. Criteria: EGL Classification Definitions 2015. Collection method: clinical testing. Allele origin: germline. Observed: 1 variant allele, 1 heterozygote.

Natera, Inc.
Classification: Likely benign for Carnitine palmitoyltransferase II deficiency. Last evaluated: 2020-02-14. Review status: no assertion criteria provided. Collection method: clinical testing. Allele origin: germline. Not counted in ClinVar's aggregate classification.

Diagnostic Laboratory, Department of Genetics, University Medical Center Groningen
Classification: Likely pathogenic. Review status: no assertion criteria provided. Collection method: clinical testing. Allele origin: germline. Affected: yes. Study: VKGL Data-share Consensus. Not counted in ClinVar's aggregate classification.

Genome Diagnostics Laboratory, Amsterdam University Medical Center
Classification: Likely pathogenic. Review status: no assertion criteria provided. Collection method: clinical testing. Allele origin: germline. Affected: yes. Study: VKGL Data-share Consensus. Not counted in ClinVar's aggregate classification.

Genome Diagnostics Laboratory, University Medical Center Utrecht
Classification: Likely pathogenic. Review status: no assertion criteria provided. Collection method: clinical testing. Allele origin: germline. Affected: yes. Study: VKGL Data-share Consensus. Not counted in ClinVar's aggregate classification.

Literature cited by the submitters: PubMed 26436962 (cited by Mayo Clinic Laboratories, Mayo Clinic); PubMed 38544359 (cited by Mayo Clinic Laboratories, Mayo Clinic).